The following is an entry in ClinVar:

ClinVar aggregate classification (germline): Pathogenic. Review status: reviewed by expert panel (3 of 4 stars). 12 submissions from 12 submitters: Pathogenic (1). 11 of the submissions do not count toward it. Last evaluated 2025-04-11.

Conditions:
DYSF-related disorder. Also called: DYSF-related disorders; DYSF-related condition.
Autosomal recessive limb-girdle muscular dystrophy. Identifiers: Orphanet 102015, MedGen C2931907, MONDO:0015152.
Distal myopathy with anterior tibial onset. Identifiers: Orphanet 178400, MedGen C1847532, MONDO:0011721, OMIM 606768.
Miyoshi muscular dystrophy 1 (MMD1). Identifiers: Orphanet 45448, MedGen C4551973, MONDO:0024545, OMIM 254130.
Autosomal recessive limb-girdle muscular dystrophy type 2B (LGMDR2). Also called: MUSCULAR DYSTROPHY, LIMB-GIRDLE, TYPE 3; MUSCULAR DYSTROPHY, LIMB-GIRDLE, AUTOSOMAL RECESSIVE 2; Limb-girdle muscular dystrophy, type 2B; Limb-Girdle Muscular Dystrophy Type 2B (LGMD2B). Identifiers: Orphanet 268, MedGen C1850889, MONDO:0009676, OMIM 253601.
Neuromuscular disease caused by qualitative or quantitative defects of dysferlin. Also called: Qualitative or quantitative defects of dysferlin; Dysferlinopathy. Identifiers: Orphanet 207073, MedGen C2931687, MONDO:0016145.

Submissions (12):

ClinGen Limb Girdle Muscular Dystrophy Variant Curation Expert Panel, ClinGen
Classification: Pathogenic for Autosomal recessive limb-girdle muscular dystrophy. Last evaluated: 2025-04-11. Review status: reviewed by expert panel. Criteria: ClinGen LGMD VCEP ACMG Specifications DYSF V1.0.0. Collection method: curation. Allele origin: germline. Inheritance: Autosomal recessive inheritance.
Comment: The NM_003494.4: c.5698_5699del p.(Ser1900GlnfsTer14) variant in DYSF, which is also known as NM_001130987.2: c.5815_5816del (p.Ser1939GlnfsTer14), is a frameshift variant predicted to cause a premature stop codon in biologically relevant exon 51/55, leading to nonsense mediated decay in a gene in which loss of function is an established disease mechanism (PVS1). This variant has been detected with a second DYSF variant in at least six individuals with suspected LGMD (PMID: 27602406; 32400077; 35135626; 36983702), including in unknown phase with a pathogenic variant in two individuals (NM_003494.4: c.1392dupA p.(Asp465ArgfsTer9), 0.5 pts, PMID: 27602406; NM_003494.4: c.3805dupG p.(Glu1269GlyfsTer7), 0.5 pts, PMID: 27602406) (PM3). At least one patient with this variant and a second presumed diagnostic DYSF variant had a clinical suspicion of LGMD or progressive limb girdle muscle weakness and severely reduced or absent dysferlin protein expression, which is highly specific for DYSF-associated LGMD (PMID: 36983702; 35135626; 27602406; PP4_Strong). The filtering allele frequency of this variant is 0.0001765 in gnomAD v4.1.0 exomes (the upper threshold of the 95% CI of 173/1112006 European (non-Finnish) chromosomes), which is greater than the ClinGen LGMD VCEP threshold (≤0.0001) (PM2_Supporting not met). In summary, this variant meets the criteria to be classified as Pathogenic for autosomal recessive limb girdle muscular dystrophy based on the ACMG/AMP criteria applied, as specified by the ClinGen LGMD VCEP (LGMD VCEP specifications version 1.0.0; 04/11/2025): PVS1, PM3, PP4_Strong.

PreventionGenetics, part of Exact Sciences
Classification: Pathogenic for DYSF-related condition. Last evaluated: 2026-04-08. Review status: criteria provided, single submitter. Criteria: ACMG Guidelines, 2015. Collection method: clinical testing. Allele origin: germline. Not counted in ClinVar's aggregate classification.
Comment: The DYSF c.5698_5699delAG variant is predicted to result in a frameshift and premature protein termination (p.Ser1900Glnfs*14). This variant has been reported to be causative for DYSF-related disorders (see for example, Klinge et al. 2010. PubMed ID: 19528035; Wong et al. 2022. PubMed ID: 35948506). This variant is reported in 0.0079% of alleles in individuals of European (Non-Finnish) descent in gnomAD. Frameshift variants in DYSF are expected to be pathogenic. This variant is interpreted as pathogenic.

Labcorp Genetics (formerly Invitae), Labcorp
Classification: Pathogenic for Neuromuscular disease caused by qualitative or quantitative defects of dysferlin. Last evaluated: 2025-12-17. Review status: criteria provided, single submitter. Criteria: Invitae Variant Classification Sherloc (09022015). Collection method: clinical testing. Allele origin: germline. Not counted in ClinVar's aggregate classification.
Comment: This sequence change creates a premature translational stop signal (p.Ser1900Glnfs*14) in the DYSF gene. It is expected to result in an absent or disrupted protein product. Loss-of-function variants in DYSF are known to be pathogenic (PMID: 17698709, 20301480). This variant is present in population databases (rs778260292, gnomAD 0.008%). This premature translational stop signal has been observed in individuals with Miyoshi myopathy (PMID: 9731526, 18853459, 19528035, 19594366, 23530687). This variant is also known as 6071,2delAG. ClinVar contains an entry for this variant (Variation ID: 94344). For these reasons, this variant has been classified as Pathogenic.

Natera, Inc.
Classification: Pathogenic for Limb-girdle muscular dystrophy type 2B. Last evaluated: 2025-07-07. Review status: criteria provided, single submitter. Criteria: Natera Variant Classification Schema (03/2026). Collection method: clinical testing. Allele origin: germline. Not counted in ClinVar's aggregate classification.
Comment: The c.5698_5699delAG variant in DYSF is a frameshift variant predicted to shift the reading frame beginning at codon 1900 and leads to a stop codon 14 codons downstream. This variant is expected to result in nonsense mediated decay, truncation, or a dysfunctional protein product. This variant is rare in the general population with a frequency below the threshold expected for the associated phenotype(s). This variant has been observed in one or more individuals affected with the associated recessive disease, as either homozygous or compound heterozygous with a second variant (PMID: 24488599, 33715265). Functional studies show that this variant may disrupt protein function (PMID: 18853459). Given the available evidence, this variant is classified as Pathogenic.

GeneDx
Classification: Pathogenic. Last evaluated: 2024-11-21. Review status: criteria provided, single submitter. Criteria: GeneDx Variant Classification Process June 2021. Collection method: clinical testing. Allele origin: germline. Affected: yes. Not counted in ClinVar's aggregate classification.
Comment: Frameshift variant predicted to result in protein truncation or nonsense mediated decay in a gene for which loss of function is a known mechanism of disease; Not observed at significant frequency in large population cohorts (gnomAD); Also known as c.6071_6072delAG (PMID: 12796534); This variant is associated with the following publications: (PMID: 20544924, 34906502, 9731526, 23530687, 12796534, 18853459, 24488599, 19594366, 19528035, 35948506, 33715265, 33610434, 34559919, 29997562, 32400077, 31019989)

Fulgent Genetics
Classification: Pathogenic for Autosomal recessive limb-girdle muscular dystrophy type 2B; Miyoshi muscular dystrophy 1; Distal myopathy with anterior tibial onset. Last evaluated: 2024-06-03. Review status: criteria provided, single submitter. Criteria: ACMG Guidelines, 2015. Collection method: clinical testing. Allele origin: germline. Not counted in ClinVar's aggregate classification.

Baylor Genetics
Classification: Pathogenic for Miyoshi muscular dystrophy 1. Last evaluated: 2024-03-20. Review status: criteria provided, single submitter. Criteria: ACMG Guidelines, 2015. Collection method: clinical testing. Allele origin: unknown. Not counted in ClinVar's aggregate classification.

Revvity Omics, Revvity
Classification: Pathogenic. Last evaluated: 2023-06-06. Review status: criteria provided, single submitter. Criteria: ACMG Guidelines, 2015. Collection method: clinical testing. Allele origin: germline. Not counted in ClinVar's aggregate classification.

Athena Diagnostics
Classification: Pathogenic. Last evaluated: 2023-03-22. Review status: criteria provided, single submitter. Criteria: Athena Diagnostics Criteria. Collection method: clinical testing. Allele origin: unknown. Not counted in ClinVar's aggregate classification.
Comment: This variant is expected to result in the loss of a functional protein. The frequency of this variant in the general population is consistent with pathogenicity. This variant has been identified in individuals with limb-girdle muscular dystrophy or Miyoshi muscular dystrophy. In multiple individuals, this variant has been seen with a single recessive pathogenic variant in the same gene, suggesting this variant may also be pathogenic.

CeGaT Center for Human Genetics Tuebingen
Classification: Pathogenic. Last evaluated: 2018-06-01. Review status: criteria provided, single submitter. Criteria: CeGaT Center For Human Genetics Tuebingen Variant Classification Criteria Version 2. Collection method: clinical testing. Allele origin: germline. Affected: yes. Observed: 1 variant allele. Not counted in ClinVar's aggregate classification.

Eurofins Ntd Llc (ga)
Classification: Pathogenic. Last evaluated: 2015-07-28. Review status: criteria provided, single submitter. Criteria: EGL Classification Definitions 2015. Collection method: clinical testing. Allele origin: germline. Observed: 5 variant alleles, 5 heterozygotes. Not counted in ClinVar's aggregate classification.

Kids Neuroscience Centre, Sydney Children's Hospitals Network
Classification: Pathogenic for Autosomal recessive limb-girdle muscular dystrophy type 2B. Review status: criteria provided, single submitter. Criteria: Bournazos AM et al. (Genet Med 2021). Collection method: provider interpretation, clinical testing. Allele origin: paternal, unknown. Inheritance: Autosomal recessive inheritance. Affected: yes and no. Observed: 2 heterozygotes. Not counted in ClinVar's aggregate classification.
Comment: The c.5698_5699del variant creates a frameshift and premature termination codon (p.(Ser1900Glnfs*14)). These transcripts are predicted to be degraded by nonsense mediated decay (NMD). Any mis -spliced DYSF transcripts that escape NMD encode DYSF protein lacking 181 amino acids from the C-terminus, including 42 amino acids from the C2 calcium dependant membrane targeting domain and the entire transmembrane domain.

Literature cited by the submitters: PubMed 17698709 (cited by Labcorp Genetics (formerly Invitae), Labcorp); PubMed 20301480 (cited by Labcorp Genetics (formerly Invitae), Labcorp); PubMed 9731526 (cited by Labcorp Genetics (formerly Invitae), Labcorp and Athena Diagnostics); PubMed 18853459 (cited by 3 submitters); PubMed 19528035 (cited by Labcorp Genetics (formerly Invitae), Labcorp and Athena Diagnostics); PubMed 19594366 (cited by Labcorp Genetics (formerly Invitae), Labcorp and Athena Diagnostics); PubMed 23530687 (cited by Labcorp Genetics (formerly Invitae), Labcorp and Athena Diagnostics); PubMed 24488599 (cited by Natera, Inc. and Athena Diagnostics); PubMed 33715265 (cited by Natera, Inc.); PubMed 34906502 (cited by Athena Diagnostics); PubMed 32400077 (cited by Athena Diagnostics); PubMed 31019989 (cited by Athena Diagnostics); PubMed 26579332 (cited by Athena Diagnostics); PubMed 27602406 (cited by Athena Diagnostics); PubMed 29997562 (cited by Athena Diagnostics); PubMed 26088049 (cited by Athena Diagnostics); PubMed 20544924 (cited by Athena Diagnostics); PubMed 35135626 (cited by Athena Diagnostics).

NM_001130987.2(DYSF):c.5815_5816del (p.Ser1939fs)

Gene: DYSF (dysferlin; plus strand). Cytogenetic location: 2p13.2.
Variant type: Microsatellite.
Coding change: c.5815_5816del on transcript NM_001130987.2 (MANE Select); coding-DNA positions 5815 to 5816, 2 bases deleted (AG; older notation c.5815_5816delAG).
Protein change: p.Ser1939fs; shifts the reading frame from serine 1939.
Molecular consequence: frameshift variant.
Genome position (GRCh38, 1-based): chr2:71,674,227-71,674,228, AG deleted; deleting any 2 consecutive bases within chr2:71,674,224-71,674,228 gives the same sequence; the c. name uses the placement nearest the transcript's 3' end. VCF-style (leftmost placement, unchanged base first): chr2-71674223-TGA-T. GRCh37 (hg19) VCF-style: chr2-71901353-TGA-T.
Other names: NM_001130987.2(DYSF):c.5815_5816del; p.Ser1939fs; c.5698_5699del (NM_003494.3); c.5698_5699delAG (NM_003494.4); c.5701_5702del, p.Ser1901fs (NM_001130455.2); c.5656_5657del, p.Ser1886fs (NM_001130976.2); c.5719_5720del, p.Ser1907fs (NM_001130977.2); c.5761_5762del, p.Ser1921fs (NM_001130978.2); and 9 more; short protein forms S1908fs, S1921fs, S1922fs, S1900fs, S1918fs, S1931fs, S1938fs, S1887fs.
Identifiers: ClinVar variation 94344 (VCV000094344.67), dbSNP rs398123796, ClinGen allele CA222195.